The following is an entry in ClinVar:

NM_001386135.1(AFF3):c.775G>A (p.Val259Met)

Gene: AFF3 (ALF transcription elongation factor 3; minus strand). Cytogenetic location: 2q11.2.
Variant type: single nucleotide variant.
Coding change: c.775G>A on transcript NM_001386135.1 (MANE Select); coding-DNA position 775, G replaced by A.
Protein change: p.Val259Met; replaces valine 259 with methionine.
Molecular consequence: missense variant.
Genome position (GRCh38, 1-based): chr2:100,006,730, C>T on the plus strand (G>A on the coding strand, the complement: AFF3 is on the minus strand). VCF-style: chr2-100006730-C-T. GRCh37 (hg19) VCF-style: chr2-100623192-C-T.
Other names: c.850G>A, p.Val284Met (NM_001025108.2); c.775G>A, p.Val259Met (NM_002285.3); short protein forms V259M, V284M.
Identifiers: ClinVar variation 3092660 (VCV003092660.21), dbSNP rs200905671, ClinGen allele CA1801434.

ClinVar aggregate classification (germline): Conflicting classifications of pathogenicity. Review status: criteria provided, conflicting classifications (1 of 4 stars). 3 submissions from 3 submitters: Uncertain significance (1); Likely benign (2). Last evaluated 2024-11-22.

Conditions:
Inborn genetic diseases. Identifiers: MedGen C0950123, MeSH D030342.

Allele frequency attached by ClinVar (database versions not stated): gnomAD 0.00016; TOPMed 0.00019; ESP Exome Variant Server 0.00031.
gnomAD v4.1: 439 of 1,614,082 alleles (0.027%); highest among the groups gnomAD compares: Non-Finnish European, 0.034%; no homozygotes.

Submissions (3):

Blueprint Genetics
Classification: Likely benign. Last evaluated: 2024-11-22. Review status: criteria provided, single submitter. Criteria: ACMG Guidelines, 2015. Collection method: clinical testing. Allele origin: germline.

CeGaT Center for Human Genetics Tuebingen
Classification: Likely benign. Last evaluated: 2024-10-01. Review status: criteria provided, single submitter. Criteria: CeGaT Center For Human Genetics Tuebingen Variant Classification Criteria Version 2. Collection method: clinical testing. Allele origin: germline. Affected: yes. Observed: 2 variant alleles.
Comment: AFF3: BP4

Ambry Genetics
Classification: Uncertain significance for Inborn genetic diseases. Last evaluated: 2024-03-01. Review status: criteria provided, single submitter. Criteria: Ambry Variant Classification Scheme 2023. Collection method: clinical testing. Allele origin: germline.